The following is an entry in ClinVar:

ClinVar aggregate classification (germline): Benign. Review status: criteria provided, multiple submitters, no conflicts (2 of 4 stars). 3 submissions from 3 submitters: Benign (3). Last evaluated 2026-02-01.

Conditions:
Congenital glucose-galactose malabsorption (GGM). Also called: MONOSACCHARIDE MALABSORPTION; DIARRHEA 16. Identifiers: Orphanet 35710, MedGen C0268186, MONDO:0011731, OMIM 606824.

Allele frequency attached by ClinVar (database versions not stated): 1000 Genomes Project 30x 0.00312; 1000 Genomes Project 0.00339; TOPMed 0.00666; gnomAD 0.00722 and 0.00761; ExAC 0.00737; gnomAD exomes 0.00743 and 0.00867; ESP Exome Variant Server 0.00846.
gnomAD v4.1: 13,668 of 1,613,966 alleles (0.85%); highest among the groups gnomAD compares: Non-Finnish European, 0.97%; 80 homozygotes.

Submissions (3):

Labcorp Genetics (formerly Invitae), Labcorp
Classification: Benign for Congenital glucose-galactose malabsorption. Last evaluated: 2026-02-01. Review status: criteria provided, single submitter. Criteria: Invitae Variant Classification Sherloc (09022015). Collection method: clinical testing. Allele origin: germline.

Illumina Laboratory Services, Illumina
Classification: Benign for Congenital glucose-galactose malabsorption. Last evaluated: 2018-01-13. Review status: criteria provided, single submitter. Criteria: ICSL Variant Classification Criteria 13 December 2019. Collection method: clinical testing. Allele origin: germline.
Comment: This variant was observed in the ICSL laboratory as part of a predisposition screen in an ostensibly healthy population. It had not been previously curated by ICSL or reported in the Human Gene Mutation Database (HGMD: prior to June 1st, 2018), and was therefore a candidate for classification through an automated scoring system. Utilizing variant allele frequency, disease prevalence and penetrance estimates, and inheritance mode, an automated score was calculated to assess if this variant is too frequent to cause the disease. Based on the score and internal cut-off values, a variant classified as benign is not then subjected to further curation. The score for this variant resulted in a classification of benign for this disease.

Breakthrough Genomics
Classification: Benign. Review status: criteria provided, single submitter. Criteria: ACMG Guidelines, 2015. Collection method: not provided. Allele origin: germline. Inheritance: Autosomal recessive inheritance. Affected: yes.

NM_000343.4(SLC5A1):c.1130-9C>T

Gene: SLC5A1 (solute carrier family 5 member 1; plus strand). Cytogenetic location: 22q12.3.
Variant type: single nucleotide variant.
Coding change: c.1130-9C>T on transcript NM_000343.4 (MANE Select); 9 bases into the intron before coding-DNA position 1130, C replaced by T.
Molecular consequence: intron variant.
Genome position (GRCh38, 1-based): chr22:32,091,603, C>T. VCF-style: chr22-32091603-C-T. GRCh37 (hg19) VCF-style: chr22-32487590-C-T.
Other names: c.749-9C>T (NM_001256314.2).
Identifiers: ClinVar variation 341250 (VCV000341250.16), dbSNP rs33914280, ClinGen allele CA10198167.
Genomic context (GRCh38, chr22:32,091,603, plus strand): 5'-CATATATTTTTCAAGTACAAAAGAGCTGAAGGTGCTGTTATGTGCCACTCAAAAATCCTT[C>T]TCTTCCAGGACTGCGAGGCCTGATGCTATCAGTCATGCTGGCCTCCCTCATGAGCTCCCT-3'